The following is an entry in ClinVar:

NM_001130004.2(ACTN1):c.2302C>A (p.Pro768Thr)

Gene: ACTN1 (actinin alpha 1; minus strand). Cytogenetic location: 14q24.1.
Variant type: single nucleotide variant.
Coding change: c.2302C>A on transcript NM_001130004.2 (MANE Select); coding-DNA position 2302, C replaced by A.
Protein change: p.Pro768Thr; replaces proline 768 with threonine.
Molecular consequence: missense variant. On other transcripts: intron variant (1).
Genome position (GRCh38, 1-based): chr14:68,879,048, G>T on the plus strand (C>A on the coding strand, the complement: ACTN1 is on the minus strand). VCF-style: chr14-68879048-G-T. GRCh37 (hg19) VCF-style: chr14-69345765-G-T.
Other names: c.2302C>A, p.Pro768Thr (NM_001102.4); c.2281-525C>A (NM_001130005.2); short protein forms P768T.
Identifiers: ClinVar variation 1684460 (VCV001684460.1), dbSNP rs1566588502, ClinGen allele CA390181466.

ClinVar aggregate classification (germline): Uncertain significance (0 of 4 stars; one submission).

Conditions:
Platelet-type bleeding disorder 15 (BDPLT15). Also called: MACROTHROMBOCYTOPENIA, AUTOSOMAL DOMINANT, ACTN1-RELATED. Identifiers: Orphanet 140957, MedGen C3554663, MONDO:0014078, OMIM 615193.

Submission:

ISTH-SSC Genomics in Thrombosis and Hemostasis, KU Leuven, Center for Molecular and Vascular Biology
Classification: Uncertain significance for Platelet-type bleeding disorder 15. Review status: no assertion criteria provided. Collection method: clinical testing. Allele origin: unknown. Affected: yes.
Comment: Submitted to GoldVariant by Prof Kathleen Freson from Center for Molecular and Vascular Biology, Leuven, Belgium